The following is an entry in ClinVar:

NM_001195263.2(PDZD7):c.2943T>C (p.Asp981=)

Gene: PDZD7 (PDZ domain containing 7; minus strand). Cytogenetic location: 10q24.31.
Variant type: single nucleotide variant.
Coding change: c.2943T>C on transcript NM_001195263.2 (MANE Select); coding-DNA position 2943, T replaced by C.
Protein change: p.Asp981=; no amino-acid change (aspartic acid 981 retained).
Molecular consequence: synonymous variant.
Genome position (GRCh38, 1-based): chr10:101,008,626, A>G on the plus strand (T>C on the coding strand, the complement: PDZD7 is on the minus strand). VCF-style: chr10-101008626-A-G. GRCh37 (hg19) VCF-style: chr10-102768383-A-G.
Identifiers: ClinVar variation 506083 (VCV000506083.44), dbSNP rs569520095, ClinGen allele CA5653933.

ClinVar aggregate classification (germline): Benign/Likely benign. Review status: criteria provided, multiple submitters, no conflicts (2 of 4 stars). 8 submissions from 8 submitters: Benign (2); Likely benign (4). 2 of the submissions do not count toward it. Last evaluated 2026-01-26.

Allele frequency attached by ClinVar (database versions not stated): 1000 Genomes Project 0.00060; TOPMed 0.00159; gnomAD 0.00181 and 0.00186; gnomAD exomes 0.00223; ExAC 0.00360.
gnomAD v4.1: 3,788 of 1,535,920 alleles (0.25%); highest among the groups gnomAD compares: South Asian, 0.46%; 11 homozygotes.

Submissions (8):

Labcorp Genetics (formerly Invitae), Labcorp
Classification: Benign. Last evaluated: 2026-01-26. Review status: criteria provided, single submitter. Criteria: Invitae Variant Classification Sherloc (09022015). Collection method: clinical testing. Allele origin: germline.

CeGaT Center for Human Genetics Tuebingen
Classification: Likely benign. Last evaluated: 2025-10-01. Review status: criteria provided, single submitter. Criteria: CeGaT Center For Human Genetics Tuebingen Variant Classification Criteria Version 2. Collection method: clinical testing. Allele origin: germline. Affected: yes. Observed: 3 variant alleles.
Comment: PDZD7: BP4, BP7

Blueprint Genetics
Classification: Likely benign. Last evaluated: 2024-11-27. Review status: criteria provided, single submitter. Criteria: ACMG Guidelines, 2015. Collection method: clinical testing. Allele origin: germline.

GeneDx
Classification: Likely benign. Last evaluated: 2021-01-30. Review status: criteria provided, single submitter. Criteria: GeneDx Variant Classification Process June 2021. Collection method: clinical testing. Allele origin: germline. Affected: yes.

Laboratory for Molecular Medicine, Mass General Brigham Personalized Medicine
Classification: Benign. Last evaluated: 2017-08-23. Review status: criteria provided, single submitter. Criteria: LMM Criteria. Collection method: clinical testing. Allele origin: germline. Observed: 1 variant allele.
Comment: p.Asp981Asp in exon 17 of PDZD7: This variant is not expected to have clinical s ignificance because it does not alter an amino acid residue, is not located with in the splice consensus sequence, and has been identified in 0.47% (36/7620) of South Asian chromosomes by the Exome Aggregation Consortium (ExAC; dbSNP rs569520095).

Breakthrough Genomics
Classification: Likely benign. Review status: criteria provided, single submitter. Criteria: ACMG Guidelines, 2015. Collection method: not provided. Allele origin: germline. Inheritance: Autosomal recessive inheritance. Affected: yes.

Clinical Genetics DNA and cytogenetics Diagnostics Lab, Erasmus MC, Erasmus Medical Center
Classification: Likely benign. Review status: no assertion criteria provided. Collection method: clinical testing. Allele origin: germline. Affected: yes. Study: VKGL Data-share Consensus. Not counted in ClinVar's aggregate classification.

Clinical Genetics, Academic Medical Center
Classification: Benign. Review status: no assertion criteria provided. Collection method: clinical testing. Allele origin: germline. Affected: yes. Study: VKGL Data-share Consensus. Not counted in ClinVar's aggregate classification.